The following is an entry in ClinVar:

ClinVar aggregate classification (germline): Uncertain significance (1 of 4 stars; one submission).

Allele frequency attached by ClinVar (database versions not stated): gnomAD exomes below 0.00001; ExAC 0.00001; gnomAD 0.00001; TOPMed 0.00001.
gnomAD v4.1: 2 of 1,612,960 alleles (0.00012%); highest among the groups gnomAD compares: African/African-American, 0.0027%; no homozygotes.

Submission:

Women's Health and Genetics/Laboratory Corporation of America, LabCorp
Classification: Uncertain significance. Last evaluated: 2023-11-17. Review status: criteria provided, single submitter. Criteria: LabCorp Variant Classification Summary - May 2015. Collection method: clinical testing. Allele origin: germline.
Comment: Variant summary: KMT2A c.7193A>T (p.Glu2398Val) results in a non-conservative amino acid change in the encoded protein sequence. Four of five in-silico tools predict a benign effect of the variant on protein function. The variant allele was found at a frequency of 4e-06 in 250188 control chromosomes. The available data on variant occurrences in the general population are insufficient to allow any conclusion about variant significance. To our knowledge, no occurrence of c.7193A>T in individuals affected with Wiedemann-Steiner Syndrome and no experimental evidence demonstrating its impact on protein function have been reported. No submitters have cited clinical-significance assessments for this variant to ClinVar after 2014. Based on the evidence outlined above, the variant was classified as uncertain significance.

NM_001197104.2(KMT2A):c.7193A>T (p.Glu2398Val)

Gene: KMT2A (lysine methyltransferase 2A; plus strand). Cytogenetic location: 11q23.3.
Variant type: single nucleotide variant.
Coding change: c.7193A>T on transcript NM_001197104.2 (MANE Select); coding-DNA position 7193, A replaced by T.
Protein change: p.Glu2398Val; replaces glutamic acid 2398 with valine.
Molecular consequence: missense variant.
Genome position (GRCh38, 1-based): chr11:118,503,085, A>T. VCF-style: chr11-118503085-A-T. GRCh37 (hg19) VCF-style: chr11-118373800-A-T.
Other names: c.7283A>T, p.Glu2428Val (NM_001412597.1); c.7184A>T, p.Glu2395Val (NM_005933.4); short protein forms E2395V, E2398V, E2428V.
Identifiers: ClinVar variation 2682601 (VCV002682601.1), dbSNP rs782171990, ClinGen allele CA6304372.